The following is an entry in ClinVar:

ClinVar aggregate classification (germline): Likely pathogenic. Review status: criteria provided, multiple submitters, no conflicts (2 of 4 stars). 2 submissions from 2 submitters: Likely pathogenic (2). Last evaluated 2025-07-02.

Conditions:
Cornelia de Lange syndrome 1 (CDLS1). Also called: TYPUS DEGENERATIVUS AMSTELODAMENSIS; Brachmann de Lange syndrome; NIPBL-Related Cornelia de Lange Syndrome. Identifiers: Orphanet 199, MedGen C4551851, MONDO:0007387, OMIM 122470.

Submissions (2):

GeneDx
Classification: Likely pathogenic. Last evaluated: 2025-07-02. Review status: criteria provided, single submitter. Criteria: GeneDx Variant Classification Process June 2021. Collection method: clinical testing. Allele origin: germline. Affected: yes.
Comment: Frameshift variant predicted to result in protein truncation or nonsense mediated decay in a gene for which loss of function is a known mechanism of disease; Not observed at significant frequency in large population cohorts (gnomAD); Has not been previously published as pathogenic or benign to our knowledge

Laboratorio de Genetica e Diagnostico Molecular, Hospital Israelita Albert Einstein
Classification: Likely pathogenic for Cornelia de Lange syndrome 1. Last evaluated: 2023-11-24. Review status: criteria provided, single submitter. Criteria: ACMG Guidelines, 2015. Collection method: clinical testing. Allele origin: germline. Affected: yes.
Comment: ACMG classification criteria: PVS1 very strong, PM2 moderate

NM_133433.4(NIPBL):c.2466_2469del (p.Gln822fs)

Gene: NIPBL (NIPBL cohesin loading factor; plus strand). Cytogenetic location: 5p13.2.
Variant type: Deletion.
Coding change: c.2466_2469del on transcript NM_133433.4 (MANE Select); coding-DNA positions 2466 to 2469, 4 bases deleted (AAAA; older notation c.2466_2469delAAAA).
Protein change: p.Gln822fs; shifts the reading frame from glutamine 822.
Molecular consequence: frameshift variant.
Genome position (GRCh38, 1-based): chr5:36,985,646-36,985,649, AAAA deleted; deleting any 4 consecutive bases within chr5:36,985,645-36,985,649 gives the same sequence; the c. name uses the placement nearest the transcript's 3' end. VCF-style (leftmost placement, unchanged base first): chr5-36985644-CAAAA-C. GRCh37 (hg19) VCF-style: chr5-36985746-CAAAA-C.
Other names: c.2466_2469del (NM_133433.3); c.2466_2469del, p.Gln822fs (NM_015384.5); short protein forms Q822fs.
Identifiers: ClinVar variation 4056663 (VCV004056663.2).